The following is an entry in ClinVar:

NM_012472.6(DNAAF11):c.611C>T (p.Ala204Val)

Gene: DNAAF11 (dynein axonemal assembly factor 11; minus strand). Cytogenetic location: 8q24.22.
Variant type: single nucleotide variant.
Coding change: c.611C>T on transcript NM_012472.6 (MANE Select); coding-DNA position 611, C replaced by T.
Protein change: p.Ala204Val; replaces alanine 204 with valine.
Molecular consequence: missense variant. On other transcripts: non-coding transcript variant (1).
Genome position (GRCh38, 1-based): chr8:132,632,782, G>A on the plus strand (C>T on the coding strand, the complement: DNAAF11 is on the minus strand). VCF-style: chr8-132632782-G-A. GRCh37 (hg19) VCF-style: chr8-133645028-G-A.
Other names: c.611C>T (NM_012472.3); c.611C>T, p.Ala204Val (NM_001321961.2); c.365C>T, p.Ala122Val (NM_001321962.2); c.251C>T, p.Ala84Val (NM_001321963.2, NM_001321964.2, NM_001321965.2 and 1 more transcripts); short protein forms A204V, A122V, A84V.
Identifiers: ClinVar variation 361904 (VCV000361904.14), dbSNP rs376633613, ClinGen allele CA4881344.

ClinVar aggregate classification (germline): Conflicting classifications of pathogenicity. Review status: criteria provided, conflicting classifications (1 of 4 stars). 4 submissions from 4 submitters: Uncertain significance (3); Likely benign (1). Last evaluated 2025-01-23.

Conditions:
Primary ciliary dyskinesia 19. Also called: CILIARY DYSKINESIA, PRIMARY, 19, WITH OR WITHOUT SITUS INVERSUS. Identifiers: Orphanet 244, MedGen C3543826, MONDO:0013979, OMIM 614935.
Primary ciliary dyskinesia. Also called: Ciliary dyskinesia. Identifiers: Orphanet 244, MedGen C0008780, MONDO:0016575, HP:0012265.

Allele frequency attached by ClinVar (database versions not stated): ExAC 0.00002; gnomAD exomes 0.00003; TOPMed 0.00006; gnomAD 0.00010 and 0.00013.
gnomAD v4.1: 77 of 1,613,730 alleles (0.0048%); highest among the groups gnomAD compares: East Asian, 0.029%; no homozygotes.

Submissions (5):

Labcorp Genetics (formerly Invitae), Labcorp
Classification: Uncertain significance for Primary ciliary dyskinesia 19. Last evaluated: 2025-01-23. Review status: criteria provided, single submitter. Criteria: Invitae Variant Classification Sherloc (09022015). Collection method: clinical testing. Allele origin: germline.
Comment: This sequence change replaces alanine, which is neutral and non-polar, with valine, which is neutral and non-polar, at codon 204 of the LRRC6 protein (p.Ala204Val). This variant is present in population databases (rs376633613, gnomAD 0.02%). This variant has not been reported in the literature in individuals affected with LRRC6-related conditions. ClinVar contains an entry for this variant (Variation ID: 361904). Invitae Evidence Modeling of protein sequence and biophysical properties (such as structural, functional, and spatial information, amino acid conservation, physicochemical variation, residue mobility, and thermodynamic stability) indicates that this missense variant is not expected to disrupt LRRC6 protein function with a negative predictive value of 80%. In summary, the available evidence is currently insufficient to determine the role of this variant in disease. Therefore, it has been classified as a Variant of Uncertain Significance.

Blueprint Genetics
Classification: Likely benign. Last evaluated: 2024-10-14. Review status: criteria provided, single submitter. Criteria: ACMG Guidelines, 2015. Collection method: clinical testing. Allele origin: germline.

Ambry Genetics
Classification: Uncertain significance for Primary ciliary dyskinesia. Last evaluated: 2024-03-20. Review status: criteria provided, single submitter. Criteria: Ambry Variant Classification Scheme 2023. Collection method: clinical testing. Allele origin: germline.
Comment: The p.A204V variant (also known as c.611C>T), located in coding exon 5 of the LRRC6 gene, results from a C to T substitution at nucleotide position 611. The alanine at codon 204 is replaced by valine, an amino acid with similar properties. This amino acid position is conserved. In addition, this alteration is predicted to be tolerated by in silico analysis. Based on the available evidence, the clinical significance of this alteration remains unclear.

Illumina Laboratory Services, Illumina
Classification: Uncertain significance for Primary ciliary dyskinesia 19. Last evaluated: 2018-01-12. Review status: criteria provided, single submitter. Criteria: ICSL Variant Classification Criteria 13 December 2019. Collection method: clinical testing. Allele origin: germline.

Dr. Peter K. Rogan Lab, Western University
No classification provided (evidence only). Condition: Thyroid cancer, nonmedullary, 1. Review status: no classification provided. Collection method: in vitro. Allele origin: not applicable. Functional consequence: retained intron. Not counted in ClinVar's aggregate classification.